The following is an entry in ClinVar:

ClinVar aggregate classification (germline): Likely pathogenic (1 of 4 stars; one submission).

Submission:

Dasa
Classification: Likely pathogenic. Last evaluated: 2025-09-20. Review status: criteria provided, single submitter. Criteria: DASA Assertion Criteria. Collection method: clinical testing. Allele origin: germline.
Comment: NM_206933.4(USH2A):c.10867_10869delinsAGAT (p.Tyr3623Argfs*14) is a frameshift variant in USH2A predicted to alter the reading frame and introduce a premature termination codon and is predicted to result in an absent or altered protein product. Loss of function is an established disease mechanism for USH2A-associated disorders. Also, this variant is absent from population databases. Based on the currently available evidence, this variant is classified as likely pathogenic.

NM_206933.4(USH2A):c.10867_10869delinsAGAT (p.Tyr3623fs)

Gene: USH2A (usherin; minus strand). Cytogenetic location: 1q41.
Variant type: Indel.
Coding change: c.10867_10869delinsAGAT on transcript NM_206933.4 (MANE Select); coding-DNA positions 10867 to 10869, TAC replaced by AGAT.
Protein change: p.Tyr3623fs; shifts the reading frame from tyrosine 3623.
Molecular consequence: frameshift variant.
Genome position (GRCh38, 1-based): chr1:215,779,913-215,779,915, GTA replaced by ATCT on the plus strand (TAC replaced by AGAT on the coding strand, the reverse complement: USH2A is on the minus strand). VCF-style: chr1-215779913-GTA-ATCT. GRCh37 (hg19) VCF-style: chr1-215953255-GTA-ATCT.
Other names: short protein forms Y3623fs.
Identifiers: ClinVar variation 4886569 (VCV004886569.2).